The following is an entry in ClinVar:

NM_001844.5(COL2A1):c.3702C>A (p.Asp1234Glu)

Gene: COL2A1 (collagen type II alpha 1 chain; minus strand). Cytogenetic location: 12q13.11.
Variant type: single nucleotide variant.
Coding change: c.3702C>A on transcript NM_001844.5 (MANE Select); coding-DNA position 3702, C replaced by A.
Protein change: p.Asp1234Glu; replaces aspartic acid 1234 with glutamic acid.
Molecular consequence: missense variant.
Genome position (GRCh38, 1-based): chr12:47,975,501, G>T on the plus strand (C>A on the coding strand, the complement: COL2A1 is on the minus strand). VCF-style: chr12-47975501-G-T. GRCh37 (hg19) VCF-style: chr12-48369284-G-T.
Other names: NM_001844.5:c.3702C>A; c.3495C>A, p.Asp1165Glu (NM_033150.3); short protein forms D1165E, D1234E.
Identifiers: ClinVar variation 964671 (VCV000964671.11), dbSNP rs891008017, ClinGen allele CA236517223.

ClinVar aggregate classification (germline): Uncertain significance. Review status: criteria provided, multiple submitters, no conflicts (2 of 4 stars). 3 submissions from 3 submitters: Uncertain significance (3). Last evaluated 2025-09-25.

Conditions:
Stickler syndrome type 1 (STL1). Also called: ARTHROOPHTHALMOPATHY, HEREDITARY PROGRESSIVE; STICKLER SYNDROME, MEMBRANOUS VITREOUS TYPE; STICKLER SYNDROME, VITREOUS TYPE 1; COL2A1-Related Stickler Syndrome. Identifiers: Orphanet 828, Orphanet 90653, MedGen C2020284, MONDO:0007160, OMIM 108300.

Allele frequency attached by ClinVar (database versions not stated): gnomAD 0.00001; TOPMed 0.00001.

Submissions (3):

Labcorp Genetics (formerly Invitae), Labcorp
Classification: Uncertain significance. Last evaluated: 2025-09-25. Review status: criteria provided, single submitter. Criteria: Invitae Variant Classification Sherloc (09022015). Collection method: clinical testing. Allele origin: germline.
Comment: This sequence change replaces aspartic acid, which is acidic and polar, with glutamic acid, which is acidic and polar, at codon 1234 of the COL2A1 protein (p.Asp1234Glu). This variant is not present in population databases (gnomAD no frequency). This missense change has been observed in individual(s) with clinical features of COL2A1-related conditions (PMID: 38246255). ClinVar contains an entry for this variant (Variation ID: 964671). Invitae Evidence Modeling of protein sequence and biophysical properties (such as structural, functional, and spatial information, amino acid conservation, physicochemical variation, residue mobility, and thermodynamic stability) indicates that this missense variant is not expected to disrupt COL2A1 protein function with a negative predictive value of 95%. In summary, the available evidence is currently insufficient to determine the role of this variant in disease. Therefore, it has been classified as a Variant of Uncertain Significance.

Victorian Clinical Genetics Services, Murdoch Childrens Research Institute
Classification: Uncertain significance for Stickler syndrome type 1. Last evaluated: 2020-07-02. Review status: criteria provided, single submitter. Criteria: ACMG Guidelines, 2015. Collection method: clinical testing. Allele origin: germline. Inheritance: Autosomal dominant inheritance. Affected: yes.
Comment: Based on the classification scheme VCGS_Germline_v1.1.1, this variant is classified as 3B-VUS. Following criteria are met: 0102 - Loss-of-function is a known mechanism of disease for this gene. (N) 0104 - Dominant Negative is a mechanism of disease for this gene. (N) 0107 - This gene is known to be associated with autosomal dominant disease. (N) 0200 - Variant is predicted to result in a missense amino acid change from aspartic acid to glutamic acid (exon 51). (N) 0251 - Variant is heterozygous. (N) 0302 - Variant is present in gnomAD <0.001 for a dominant condition (1 heterozygote, 0 homozygotes). (P) 0309 - An alternative amino acid change at the same position has been observed in gnomAD (2 heterozygotes, 0 homozygote). (N) 0502 - Missense variant with conflicting in silico predictions and uninformative conservation. (N) 0604 - Variant is not located in an established domain, motif, hotspot or informative constraint region. (N) 0705 - No comparable variants have previous evidence for pathogenicity. (N) 0807 - Variant has not previously been reported in a clinical context. (N) 0905 - No segregation evidence has been identified for this variant. (N) 1007 - No published functional evidence has been identified for this variant. However, this gene has variable expressivity and phenotype is also known to vary inter and intrafamilial (PMID: 20301479). (N) Legend: (P) - Pathogenic, (N) - Neutral, (B) - Benign

Laboratory of Functional Genomics, Research Centre for Medical Genetics
Classification: Uncertain significance for Stickler syndrome type 1. Review status: criteria provided, single submitter. Criteria: ACMG Guidelines, 2015. Collection method: clinical testing. Allele origin: unknown. Affected: yes. Observed: 1 heterozygote.

Literature cited by the submitters: PubMed 38246255 (cited by Labcorp Genetics (formerly Invitae), Labcorp); PubMed 20301479 (cited by Victorian Clinical Genetics Services, Murdoch Childrens Research Institute).